The following is an entry in ClinVar:

ClinVar aggregate classification (germline): Likely pathogenic (1 of 4 stars; one submission).

Submission:

Labcorp Genetics (formerly Invitae), Labcorp
Classification: Likely pathogenic. Last evaluated: 2021-01-06. Review status: criteria provided, single submitter. Criteria: Invitae Variant Classification Sherloc (09022015). Collection method: clinical testing. Allele origin: germline.
Comment: In summary, the currently available evidence indicates that the variant is pathogenic, but additional data are needed to prove that conclusively. Therefore, this variant has been classified as Likely Pathogenic. This variant disrupts the triple helix domain of COL2A1. Glycine residues within the Gly-Xaa-Yaa repeats of the triple helix domain are required for the structure and stability of fibrillar collagens (PMID: 7695699, 8218237, 19344236). In COL2A1, variants affecting these glycine residues are significantly enriched in individuals with disease (PMID: 9016532, 17078022) compared to the general population (ExAC). Advanced modeling of protein sequence and biophysical properties (such as structural, functional, and spatial information, amino acid conservation, physicochemical variation, residue mobility, and thermodynamic stability) performed at Invitae indicates that this missense variant is expected to disrupt COL2A1 protein function. This variant has not been reported in the literature in individuals with COL2A1-related conditions. This variant is not present in population databases (ExAC no frequency). This sequence change replaces glycine with valine at codon 1050 of the COL2A1 protein (p.Gly1050Val). The glycine residue is highly conserved and there is a moderate physicochemical difference between glycine and valine.

Literature cited by the submitters: PubMed 7695699; PubMed 8218237; PubMed 19344236; PubMed 9016532; PubMed 17078022.

NM_001844.5(COL2A1):c.3149G>T (p.Gly1050Val)

Gene: COL2A1 (collagen type II alpha 1 chain; minus strand). Cytogenetic location: 12q13.11.
Variant type: single nucleotide variant.
Coding change: c.3149G>T on transcript NM_001844.5 (MANE Select); coding-DNA position 3149, G replaced by T.
Protein change: p.Gly1050Val; replaces glycine 1050 with valine.
Molecular consequence: missense variant.
Genome position (GRCh38, 1-based): chr12:47,977,616, C>A on the plus strand (G>T on the coding strand, the complement: COL2A1 is on the minus strand). VCF-style: chr12-47977616-C-A. GRCh37 (hg19) VCF-style: chr12-48371399-C-A.
Other names: c.2942G>T, p.Gly981Val (NM_033150.3); short protein forms G1050V, G981V.
Identifiers: ClinVar variation 1349546 (VCV001349546.8), dbSNP rs1555165242, ClinGen allele CA384540522.